The following is an entry in ClinVar:

NM_153460.4(IL17RC):c.611C>T (p.Pro204Leu)

Gene: IL17RC (interleukin 17 receptor C; plus strand). Cytogenetic location: 3p25.3.
Variant type: single nucleotide variant.
Coding change: c.611C>T on transcript NM_153460.4 (MANE Select); coding-DNA position 611, C replaced by T.
Protein change: p.Pro204Leu; replaces proline 204 with leucine.
Molecular consequence: missense variant. On other transcripts: intron variant (4).
Genome position (GRCh38, 1-based): chr3:9,920,958, C>T. VCF-style: chr3-9920958-C-T. GRCh37 (hg19) VCF-style: chr3-9962642-C-T.
Other names: c.611C>T, p.Pro204Leu (NM_001203263.2, NM_001203264.2, NM_001367278.1); c.824C>T, p.Pro275Leu (NM_153461.4); c.577+356C>T (NM_032732.6, NM_001367280.1, NM_001203265.2); c.502+356C>T (NM_001367279.1); short protein forms P275L, P204L.
Identifiers: ClinVar variation 958588 (VCV000958588.6), dbSNP rs369736579, ClinGen allele CA2246886.

ClinVar aggregate classification (germline): Uncertain significance (1 of 4 stars; one submission).

Conditions:
Candidiasis, familial, 9 (CANDF9). Identifiers: Orphanet 1334, MedGen C4225324, MONDO:0014642, OMIM 616445.

Allele frequency attached by ClinVar (database versions not stated): TOPMed 0.00005; ESP Exome Variant Server 0.00008.
gnomAD v4.1: 76 of 1,595,334 alleles (0.0048%); highest among the groups gnomAD compares: East Asian, 0.025%; no homozygotes.

Submission:

Labcorp Genetics (formerly Invitae), Labcorp
Classification: Uncertain significance for Candidiasis, familial, 9. Last evaluated: 2025-12-25. Review status: criteria provided, single submitter. Criteria: Invitae Variant Classification Sherloc (09022015). Collection method: clinical testing. Allele origin: germline.
Comment: This sequence change replaces proline, which is neutral and non-polar, with leucine, which is neutral and non-polar, at codon 275 of the IL17RC protein (p.Pro275Leu). This variant is present in population databases (rs369736579, gnomAD 0.007%). This variant has not been reported in the literature in individuals affected with IL17RC-related conditions. ClinVar contains an entry for this variant (Variation ID: 958588). An algorithm developed to predict the effect of missense changes on protein structure and function (PolyPhen-2) suggests that this variant is likely to be tolerated. In summary, the available evidence is currently insufficient to determine the role of this variant in disease. Therefore, it has been classified as a Variant of Uncertain Significance.